The following is an entry in ClinVar:

ClinVar aggregate classification (germline): Uncertain significance (1 of 4 stars; one submission).

Allele frequency attached by ClinVar (database versions not stated): gnomAD exomes below 0.00001.
gnomAD v4.1: 4 of 1,551,700 alleles (0.00026%); highest among the groups gnomAD compares: South Asian, 0.0048%; 1 homozygote.

Submission:

Labcorp Genetics (formerly Invitae), Labcorp
Classification: Uncertain significance. Last evaluated: 2022-09-17. Review status: criteria provided, single submitter. Criteria: Invitae Variant Classification Sherloc (09022015). Collection method: clinical testing. Allele origin: germline.
Comment: In summary, the available evidence is currently insufficient to determine the role of this variant in disease. Therefore, it has been classified as a Variant of Uncertain Significance. Advanced modeling of protein sequence and biophysical properties (such as structural, functional, and spatial information, amino acid conservation, physicochemical variation, residue mobility, and thermodynamic stability) performed at Invitae indicates that this missense variant is not expected to disrupt UNC80 protein function. This variant has not been reported in the literature in individuals affected with UNC80-related conditions. This variant is not present in population databases (gnomAD no frequency). This sequence change replaces lysine, which is basic and polar, with asparagine, which is neutral and polar, at codon 1527 of the UNC80 protein (p.Lys1527Asn).

NM_001371986.1(UNC80):c.4779A>C (p.Lys1593Asn)

Gene: UNC80 (unc-80 subunit of NALCN channel complex; plus strand). Cytogenetic location: 2q34.
Variant type: single nucleotide variant.
Coding change: c.4779A>C on transcript NM_001371986.1 (MANE Select); coding-DNA position 4779, A replaced by C.
Protein change: p.Lys1593Asn; replaces lysine 1593 with asparagine.
Molecular consequence: missense variant.
Genome position (GRCh38, 1-based): chr2:209,904,962, A>C. VCF-style: chr2-209904962-A-C. GRCh37 (hg19) VCF-style: chr2-210769686-A-C.
Other names: c.4581A>C, p.Lys1527Asn (NM_032504.2); c.4566A>C, p.Lys1522Asn (NM_182587.4); short protein forms K1527N, K1522N, K1593N.
Identifiers: ClinVar variation 2088655 (VCV002088655.4), dbSNP rs2471106003, ClinGen allele CA350755783.
Genomic context (GRCh38, chr2:209,904,962, plus strand): 5'-GGACTCCCTGAGGGAAAGCAGCAACATCAGCAGTGTGGCTCTCCGGGGCAAGAAACAGAA[A>C]GAAGTAAGTAAATGACCATTGAATGATATTCTAATACTAGAAACATGATGTCATAACAAT-3'
Protein context (NP_001358915.1, residues 1583-1603): SSVALRGKKQ[Lys1593Asn]ECSDKSCLRT